The following is an entry in ClinVar:

NM_002718.5(PPP2R3A):c.1509C>T (p.Ser503=)

Gene: PPP2R3A (protein phosphatase 2 regulatory subunit B''alpha; plus strand). Cytogenetic location: 3q22.3.
Variant type: single nucleotide variant.
Coding change: c.1509C>T on transcript NM_002718.5 (MANE Select); coding-DNA position 1509, C replaced by T.
Protein change: p.Ser503=; no amino-acid change (serine 503 retained).
Molecular consequence: synonymous variant. On other transcripts: intron variant (1).
Genome position (GRCh38, 1-based): chr3:136,003,007, C>T. VCF-style: chr3-136003007-C-T. GRCh37 (hg19) VCF-style: chr3-135721849-C-T.
Other names: c.-213-23825C>T (NM_001190447.2).
Identifiers: ClinVar variation 3041594 (VCV003041594.2), dbSNP rs115431753, ClinGen allele CA2630584.

ClinVar aggregate classification (germline): Likely benign (0 of 4 stars; one submission).

Conditions:
PPP2R3A-related disorder. Also called: PPP2R3A-related condition.

Allele frequency attached by ClinVar (database versions not stated): 1000 Genomes Project 0.00040; 1000 Genomes Project 30x 0.00062; TOPMed 0.00125; ExAC 0.00169; gnomAD 0.00173; ESP Exome Variant Server 0.00239; gnomAD exomes 0.00255.
gnomAD v4.1: 3,928 of 1,613,508 alleles (0.24%); highest among the groups gnomAD compares: Non-Finnish European, 0.3%; 7 homozygotes.

Submission:

PreventionGenetics, part of Exact Sciences
Classification: Likely benign for PPP2R3A-related condition. Last evaluated: 2019-06-18. Review status: no assertion criteria provided. Collection method: clinical testing. Allele origin: germline.
Comment: This variant is classified as likely benign based on ACMG/AMP sequence variant interpretation guidelines (Richards et al. 2015 PMID: 25741868, with internal and published modifications).